The following is an entry in ClinVar:

ClinVar aggregate classification (germline): Uncertain significance. Review status: criteria provided, multiple submitters, no conflicts (2 of 4 stars). 3 submissions from 3 submitters: Uncertain significance (3). Last evaluated 2022-09-02.

Conditions:
Hereditary cancer-predisposing syndrome. Also called: Hereditary neoplastic syndrome; Neoplastic Syndromes, Hereditary; Tumor predisposition; Hereditary Cancer Syndrome. Identifiers: Orphanet 140162, MedGen C0027672, MeSH D009386, MONDO:0015356.
Ataxia-telangiectasia syndrome (AT). Also called: LOUIS-BAR SYNDROME; Cerebello-oculocutaneous telangiectasia; Immunodeficiency with ataxia telangiectasia; AT, COMPLEMENTATION GROUP C; Ataxia-telangiectasia, complementation group D; ATAXIA-TELANGIECTASIA, COMPLEMENTATION GROUP A. Identifiers: Orphanet 100, MedGen C0004135, MONDO:0008840, OMIM 208900.

Submissions (3):

GeneDx
Classification: Uncertain significance. Last evaluated: 2022-09-02. Review status: criteria provided, single submitter. Criteria: GeneDx Variant Classification Process June 2021. Collection method: clinical testing. Allele origin: germline. Affected: yes.
Comment: Not observed at significant frequency in large population cohorts (gnomAD); In silico analysis supports that this missense variant has a deleterious effect on protein structure/function; Has not been previously published as pathogenic or benign to our knowledge; This variant is associated with the following publications: (PMID: 19781682)

Ambry Genetics
Classification: Uncertain significance for Hereditary cancer-predisposing syndrome. Last evaluated: 2022-07-23. Review status: criteria provided, single submitter. Criteria: Ambry Variant Classification Scheme 2023. Collection method: clinical testing. Allele origin: germline.
Comment: The p.L973P variant (also known as c.2918T>C), located in coding exon 18 of the ATM gene, results from a T to C substitution at nucleotide position 2918. The leucine at codon 973 is replaced by proline, an amino acid with similar properties. This variant was not reported in population based cohorts in the following databases: Database of Single Nucleotide Polymorphisms (dbSNP), NHLBI Exome Sequencing Project (ESP), and 1000 Genomes Project. In the ESP, this variant was not observed in 6499 samples (12998 alleles) with coverage at this position. To date, this alteration has been detected with an allele frequency of approximately 0.001% (greater than 180000 alleles tested) in our clinical cohort. This amino acid position is highly conserved in available vertebrate species. In addition, this alteration is predicted to be deleterious by in silico analysis. Since supporting evidence is limited at this time, the clinical significance of this alteration remains unclear.

Labcorp Genetics (formerly Invitae), Labcorp
Classification: Uncertain significance for Ataxia-telangiectasia syndrome. Last evaluated: 2021-10-07. Review status: criteria provided, single submitter. Criteria: Invitae Variant Classification Sherloc (09022015). Collection method: clinical testing. Allele origin: germline.
Comment: This variant has not been reported in the literature in individuals affected with ATM-related conditions. This variant is not present in population databases (ExAC no frequency). This sequence change replaces leucine with proline at codon 973 of the ATM protein (p.Leu973Pro). The leucine residue is moderately conserved and there is a moderate physicochemical difference between leucine and proline. Algorithms developed to predict the effect of missense changes on protein structure and function are either unavailable or do not agree on the potential impact of this missense change (SIFT: "Deleterious"; PolyPhen-2: "Probably Damaging"; Align-GVGD: "Class C15"). In summary, the available evidence is currently insufficient to determine the role of this variant in disease. Therefore, it has been classified as a Variant of Uncertain Significance.

NM_000051.4(ATM):c.2918T>C (p.Leu973Pro)

Gene: ATM (ATM serine/threonine kinase; plus strand). Cytogenetic location: 11q22.3.
Variant type: single nucleotide variant.
Coding change: c.2918T>C on transcript NM_000051.4 (MANE Select); coding-DNA position 2918, T replaced by C.
Protein change: p.Leu973Pro; replaces leucine 973 with proline.
Molecular consequence: missense variant.
Genome position (GRCh38, 1-based): chr11:108,271,143, T>C. VCF-style: chr11-108271143-T-C. GRCh37 (hg19) VCF-style: chr11-108141870-T-C.
Other names: c.2918T>C, p.Leu973Pro (NM_001351834.2); short protein forms L973P.
Identifiers: ClinVar variation 481291 (VCV000481291.10), dbSNP rs1555084757, ClinGen allele CA382547002.
Genomic context (GRCh38, chr11:108,271,143, plus strand): 5'-AGCTTCCTGGAGAAGAGTACCCCTTGCCAATGGAAGATGTTCTTGAACTTCTGAAACCAC[T>C]ATCGTAAGAAATTAAAACCTTATGTTATGTTCACTTTAAAGTTATAAAATAACTGATGTG-3'
Protein context (NP_000042.3, residues 963-983): MEDVLELLKP[Leu973Pro]SNVCSLYRRD